The following is an entry in ClinVar:

ClinVar aggregate classification (germline): Benign. Review status: criteria provided, multiple submitters, no conflicts (2 of 4 stars). 4 submissions from 4 submitters: Benign (4). Last evaluated 2021-09-05.

Conditions:
Hyperphosphatasia with impaired intellectual development syndrome 2. Also called: Hyperphosphatasia with intellectual disability syndrome 2; GLYCOSYLPHOSPHATIDYLINOSITOL BIOSYNTHESIS DEFECT 6. Identifiers: Orphanet 247262, MedGen C3553637, MONDO:0013882, OMIM 614749.

Allele frequency attached by ClinVar (database versions not stated): 1000 Genomes Project 30x 0.98157; 1000 Genomes Project 0.98403; gnomAD 0.98454 and 0.98549; gnomAD exomes 0.99597 and 0.99853; ESP Exome Variant Server 0.98232; TOPMed 0.98372; ExAC 0.99496.

Submissions (4):

Genome-Nilou Lab
Classification: Benign for Hyperphosphatasia with impaired intellectual development syndrome 2. Last evaluated: 2021-09-05. Review status: criteria provided, single submitter. Criteria: ACMG Guidelines, 2015. Collection method: clinical testing. Allele origin: germline. Affected: no.

GeneDx
Classification: Benign. Last evaluated: 2018-06-25. Review status: criteria provided, single submitter. Criteria: GeneDx Variant Classification Process June 2021. Collection method: clinical testing. Allele origin: germline. Affected: yes.

Illumina Laboratory Services, Illumina
Classification: Benign for Hyperphosphatasia with impaired intellectual development syndrome 2. Last evaluated: 2018-01-13. Review status: criteria provided, single submitter. Criteria: ICSL Variant Classification Criteria 13 December 2019. Collection method: clinical testing. Allele origin: germline.
Comment: This variant was observed in the ICSL laboratory as part of a predisposition screen in an ostensibly healthy population. It had not been previously curated by ICSL or reported in the Human Gene Mutation Database (HGMD: prior to June 1st, 2018), and was therefore a candidate for classification through an automated scoring system. Utilizing variant allele frequency, disease prevalence and penetrance estimates, and inheritance mode, an automated score was calculated to assess if this variant is too frequent to cause the disease. Based on the score and internal cut-off values, a variant classified as benign is not then subjected to further curation. The score for this variant resulted in a classification of benign for this disease.

Breakthrough Genomics
Classification: Benign. Review status: criteria provided, single submitter. Criteria: ACMG Guidelines, 2015. Collection method: not provided. Allele origin: germline. Inheritance: Autosomal recessive inheritance. Affected: yes.

NM_032634.4(PIGO):c.*41T>G

Gene: PIGO (phosphatidylinositol glycan anchor biosynthesis class O; minus strand). Cytogenetic location: 9p13.3.
Variant type: single nucleotide variant.
Coding change: c.*41T>G on transcript NM_032634.4 (MANE Select); 41 bases downstream of the stop codon, T replaced by G.
Molecular consequence: 3 prime UTR variant.
Genome position (GRCh38, 1-based): chr9:35,089,051, A>C on the plus strand (T>G on the coding strand, the complement: PIGO is on the minus strand). VCF-style: chr9-35089051-A-C. GRCh37 (hg19) VCF-style: chr9-35089048-A-C.
Other names: c.*41T>G (NM_001201484.2, NM_152850.4).
Identifiers: ClinVar variation 366751 (VCV000366751.10), dbSNP rs556766, ClinGen allele CA5040183.